The following is an entry in ClinVar:

NM_000158.4(GBE1):c.1618+4A>G

Gene: GBE1 (1,4-alpha-glucan branching enzyme 1; minus strand). Cytogenetic location: 3p12.2.
Variant type: single nucleotide variant.
Coding change: c.1618+4A>G on transcript NM_000158.4 (MANE Select); 4 bases into the intron after coding-DNA position 1618, A replaced by G.
Molecular consequence: intron variant.
Genome position (GRCh38, 1-based): chr3:81,577,921, T>C on the plus strand (A>G on the coding strand, the complement: GBE1 is on the minus strand). VCF-style: chr3-81577921-T-C. GRCh37 (hg19) VCF-style: chr3-81627072-T-C.
Identifiers: ClinVar variation 1036259 (VCV001036259.2), dbSNP rs763962659, ClinGen allele CA2499617.

ClinVar aggregate classification (germline): Uncertain significance (1 of 4 stars; one submission).

Conditions:
Glycogen storage disease, type IV (GSD4). Also called: Glycogen storage disease due to glycogen branching enzyme deficiency; GBE1 DEFICIENCY; GLYCOGEN BRANCHING ENZYME DEFICIENCY; GLYCOGENOSIS IV; GSD IV; AMYLOPECTINOSIS. Identifiers: Orphanet 367, MedGen C0017923, MONDO:0009292, OMIM 232500.
Glycogen storage disease IV, classic hepatic. Also called: GSD IV, CLASSIC HEPATIC. Identifiers: MedGen C1856301.

Allele frequency attached by ClinVar (database versions not stated): gnomAD exomes below 0.00001; ExAC 0.00001; gnomAD 0.00001.
gnomAD v4.1: 2 of 1,590,444 alleles (0.00013%); highest among the groups gnomAD compares: East Asian, 0.0046%; no homozygotes.

Submission:

Labcorp Genetics (formerly Invitae), Labcorp
Classification: Uncertain significance for Glycogen storage disease, type IV; Glycogen storage disease IV, classic hepatic. Last evaluated: 2020-06-06. Review status: criteria provided, single submitter. Criteria: Invitae Variant Classification Sherloc (09022015). Collection method: clinical testing. Allele origin: germline.
Comment: This sequence change falls in intron 12 of the GBE1 gene. It does not directly change the encoded amino acid sequence of the GBE1 protein, but it affects a nucleotide within the consensus splice site of the intron. This variant is present in population databases (rs763962659, ExAC 0.01%). This variant has not been reported in the literature in individuals with GBE1-related conditions. Nucleotide substitutions within the consensus splice site are a relatively common cause of aberrant splicing (PMID: 17576681, 9536098). Algorithms developed to predict the effect of sequence changes on RNA splicing suggest that this variant may disrupt the consensus splice site, but this prediction has not been confirmed by published transcriptional studies. In summary, the available evidence is currently insufficient to determine the role of this variant in disease. Therefore, it has been classified as a Variant of Uncertain Significance.

Literature cited by the submitters: PubMed 17576681; PubMed 9536098.